The following is an entry in ClinVar:

ClinVar aggregate classification (germline): Uncertain significance (1 of 4 stars; one submission).

Conditions:
3-methylcrotonyl-CoA carboxylase 1 deficiency (MCC1D). Also called: MCCD TYPE 1; METHYLCROTONYLGLYCINURIA TYPE I; MCC 1 deficiency; 3 Alpha methylcrotonylglycinuria 1. Identifiers: Orphanet 6, MedGen CN028786, MONDO:0008861, OMIM 210200.

gnomAD v4.1: 2 of 1,610,978 alleles (0.00012%); highest among the groups gnomAD compares: Admixed American, 0.0017%; no homozygotes.

Submission:

Labcorp Genetics (formerly Invitae), Labcorp
Classification: Uncertain significance for 3-methylcrotonyl-CoA carboxylase 1 deficiency. Last evaluated: 2022-10-04. Review status: criteria provided, single submitter. Criteria: Invitae Variant Classification Sherloc (09022015). Collection method: clinical testing. Allele origin: germline.
Comment: This sequence change replaces cysteine, which is neutral and slightly polar, with glycine, which is neutral and non-polar, at codon 276 of the MCCC1 protein (p.Cys276Gly). This variant is not present in population databases (gnomAD no frequency). This variant has not been reported in the literature in individuals affected with MCCC1-related conditions. Advanced modeling of protein sequence and biophysical properties (such as structural, functional, and spatial information, amino acid conservation, physicochemical variation, residue mobility, and thermodynamic stability) performed at Invitae indicates that this missense variant is expected to disrupt MCCC1 protein function. In summary, the available evidence is currently insufficient to determine the role of this variant in disease. Therefore, it has been classified as a Variant of Uncertain Significance.

NM_020166.5(MCCC1):c.826T>G (p.Cys276Gly)

Gene: MCCC1 (methylcrotonyl-CoA carboxylase subunit 1; minus strand). Cytogenetic location: 3q27.1.
Variant type: single nucleotide variant.
Coding change: c.826T>G on transcript NM_020166.5 (MANE Select); coding-DNA position 826, T replaced by G.
Protein change: p.Cys276Gly; replaces cysteine 276 with glycine.
Molecular consequence: missense variant. On other transcripts: non-coding transcript variant (2).
Genome position (GRCh38, 1-based): chr3:183,057,358, A>C on the plus strand (T>G on the coding strand, the complement: MCCC1 is on the minus strand). VCF-style: chr3-183057358-A-C. GRCh37 (hg19) VCF-style: chr3-182775146-A-C.
Other names: c.475T>G, p.Cys159Gly (NM_001293273.2); c.499T>G, p.Cys167Gly (NM_001363880.1); short protein forms C159G, C167G, C276G.
Identifiers: ClinVar variation 2197455 (VCV002197455.1), dbSNP rs773433541, ClinGen allele CA88712299.